The following is an entry in ClinVar:

NM_020822.3(KCNT1):c.3679C>T (p.Pro1227Ser)

Gene: KCNT1 (potassium sodium-activated channel subfamily T member 1; plus strand). Cytogenetic location: 9q34.3.
Variant type: single nucleotide variant.
Coding change: c.3679C>T on transcript NM_020822.3 (MANE Select); coding-DNA position 3679, C replaced by T.
Protein change: p.Pro1227Ser; replaces proline 1227 with serine.
Molecular consequence: missense variant.
Genome position (GRCh38, 1-based): chr9:135,792,132, C>T. VCF-style: chr9-135792132-C-T. GRCh37 (hg19) VCF-style: chr9-138683978-C-T.
Other names: c.3607C>T, p.Pro1203Ser (NM_001272003.2); short protein forms P1227S, P1203S.
Identifiers: ClinVar variation 540572 (VCV000540572.49), dbSNP rs779262121, ClinGen allele CA5328017.

ClinVar aggregate classification (germline): Conflicting classifications of pathogenicity. Review status: criteria provided, conflicting classifications (1 of 4 stars). 5 submissions from 4 submitters: Uncertain significance (4); Likely benign (1). Last evaluated 2025-08-11.

Conditions:
Inborn genetic diseases. Identifiers: MedGen C0950123, MeSH D030342.
Developmental and epileptic encephalopathy, 14 (DEE14). Also called: Early infantile epileptic encephalopathy 14. Identifiers: Orphanet 293181, MedGen C3554195, MONDO:0013989, OMIM 614959.
Autosomal dominant nocturnal frontal lobe epilepsy 5. Also called: Epilepsy, nocturnal frontal lobe, 5; CILIARY DYSKINESIA, PRIMARY, 28, WITHOUT SITUS INVERSUS; CILIARY DYSKINESIA, PRIMARY, 28, WITH SITUS INVERSUS; KCNT1-Related Epilepsy. Identifiers: Orphanet 98784, MedGen C3554306, MONDO:0014002, OMIM 615005.

Allele frequency attached by ClinVar (database versions not stated): gnomAD exomes 0.00001 and 0.00003; ExAC 0.00003; TOPMed 0.00003; gnomAD 0.00004.
gnomAD v4.1: 28 of 1,606,174 alleles (0.0017%); highest among the groups gnomAD compares: Non-Finnish European, 0.0022%; no homozygotes.

Submissions (5):

Labcorp Genetics (formerly Invitae), Labcorp
Classification: Uncertain significance for Autosomal dominant nocturnal frontal lobe epilepsy 5; Developmental and epileptic encephalopathy, 14. Last evaluated: 2025-08-11. Review status: criteria provided, single submitter. Criteria: Invitae Variant Classification Sherloc (09022015). Collection method: clinical testing. Allele origin: germline.
Comment: This sequence change replaces proline, which is neutral and non-polar, with serine, which is neutral and polar, at codon 1227 of the KCNT1 protein (p.Pro1227Ser). This variant is present in population databases (rs779262121, gnomAD 0.005%). This variant has not been reported in the literature in individuals affected with KCNT1-related conditions. ClinVar contains an entry for this variant (Variation ID: 540572). Invitae Evidence Modeling of protein sequence and biophysical properties (such as structural, functional, and spatial information, amino acid conservation, physicochemical variation, residue mobility, and thermodynamic stability) indicates that this missense variant is not expected to disrupt KCNT1 protein function with a negative predictive value of 95%. In summary, the available evidence is currently insufficient to determine the role of this variant in disease. Therefore, it has been classified as a Variant of Uncertain Significance.

Ambry Genetics
Classification: Likely benign for Inborn genetic diseases. Last evaluated: 2023-08-14. Review status: criteria provided, single submitter. Criteria: Ambry Variant Classification Scheme 2023. Collection method: clinical testing. Allele origin: germline.

Genome-Nilou Lab
Classification: Uncertain significance for Developmental and epileptic encephalopathy, 14. Last evaluated: 2022-03-15. Review status: criteria provided, single submitter. Criteria: ACMG Guidelines, 2015. Collection method: clinical testing. Allele origin: germline. Affected: no.

Genome-Nilou Lab
Classification: Uncertain significance for Autosomal dominant nocturnal frontal lobe epilepsy 5. Last evaluated: 2022-03-15. Review status: criteria provided, single submitter. Criteria: ACMG Guidelines, 2015. Collection method: clinical testing. Allele origin: germline. Affected: no.

CeGaT Center for Human Genetics Tuebingen
Classification: Uncertain significance. Last evaluated: 2019-09-01. Review status: criteria provided, single submitter. Criteria: CeGaT Center For Human Genetics Tuebingen Variant Classification Criteria Version 2. Collection method: clinical testing. Allele origin: germline. Affected: yes. Observed: 3 variant alleles.